The following is an entry in ClinVar:

ClinVar aggregate classification (germline): Conflicting classifications of pathogenicity. Review status: criteria provided, conflicting classifications (1 of 4 stars). 4 submissions from 4 submitters: Uncertain significance (2); Likely benign (2). Last evaluated 2026-05-01.

Conditions:
PTPRQ-related disorder. Also called: PTPRQ-related condition.

Allele frequency attached by ClinVar (database versions not stated): 1000 Genomes Project 0.00060; 1000 Genomes Project 30x 0.00062; ExAC 0.00066; gnomAD exomes 0.00104 and 0.00209; gnomAD 0.00125 and 0.00126; TOPMed 0.00133; ESP Exome Variant Server 0.00219.
gnomAD v4.1: 3,139 of 1,551,370 alleles (0.2%); highest among the groups gnomAD compares: Non-Finnish European, 0.25%; 4 homozygotes.

Submissions (4):

CeGaT Center for Human Genetics Tuebingen
Classification: Likely benign. Last evaluated: 2026-05-01. Review status: criteria provided, single submitter. Criteria: CeGaT Center For Human Genetics Tuebingen Variant Classification Criteria Version 2. Collection method: clinical testing. Allele origin: germline. Affected: yes. Observed: 5 variant alleles.
Comment: PTPRQ: BP4, BS2

PreventionGenetics, part of Exact Sciences
Classification: Likely benign for PTPRQ-related condition. Last evaluated: 2025-01-25. Review status: criteria provided, single submitter. Criteria: ACMG Guidelines, 2015. Collection method: clinical testing. Allele origin: germline.
Comment: This variant is classified as likely benign based on ACMG/AMP sequence variant interpretation guidelines (Richards et al. 2015 PMID: 25741868, with internal and published modifications).

Blueprint Genetics
Classification: Uncertain significance. Last evaluated: 2024-11-15. Review status: criteria provided, single submitter. Criteria: ACMG Guidelines, 2015. Collection method: clinical testing. Allele origin: germline.

GeneDx
Classification: Uncertain significance. Last evaluated: 2022-11-16. Review status: criteria provided, single submitter. Criteria: GeneDx Variant Classification Process June 2021. Collection method: clinical testing. Allele origin: germline. Affected: yes.
Comment: In silico analysis supports that this missense variant does not alter protein structure/function; Has not been previously published as pathogenic or benign to our knowledge

NM_001145026.2(PTPRQ):c.3313A>G (p.Thr1105Ala)

Gene: PTPRQ (protein tyrosine phosphatase receptor type Q; plus strand). Cytogenetic location: 12q21.31.
Variant type: single nucleotide variant.
Coding change: c.3313A>G on transcript NM_001145026.2 (MANE Select); coding-DNA position 3313, A replaced by G.
Protein change: p.Thr1105Ala; replaces threonine 1105 with alanine.
Molecular consequence: missense variant.
Genome position (GRCh38, 1-based): chr12:80,541,713, A>G. VCF-style: chr12-80541713-A-G. GRCh37 (hg19) VCF-style: chr12-80935492-A-G.
Other names: short protein forms T1105A.
Identifiers: ClinVar variation 1334371 (VCV001334371.28), dbSNP rs186746372, ClinGen allele CA6702627.